The following is an entry in ClinVar:

NM_172107.4(KCNQ2):c.926C>T (p.Ala309Val)

Gene: KCNQ2 (potassium voltage-gated channel subfamily Q member 2; minus strand). Cytogenetic location: 20q13.33.
Variant type: single nucleotide variant.
Coding change: c.926C>T on transcript NM_172107.4 (MANE Select); coding-DNA position 926, C replaced by T.
Protein change: p.Ala309Val; replaces alanine 309 with valine.
Molecular consequence: missense variant.
Genome position (GRCh38, 1-based): chr20:63,439,599, G>A on the plus strand (C>T on the coding strand, the complement: KCNQ2 is on the minus strand). VCF-style: chr20-63439599-G-A. GRCh37 (hg19) VCF-style: chr20-62070952-G-A.
Other names: c.926C>T, p.Ala309Val (NM_004518.6, NM_172106.3, NM_172108.5 and 1 more transcripts); short protein forms A309V.
Identifiers: ClinVar variation 369772 (VCV000369772.13), dbSNP rs1057516101, ClinGen allele CA10654807.
Genomic context (GRCh38, chr20:63,439,599, plus strand): 5'-CCTCGGGAGCCTACAAGACCTCGTCCCCCTCCAAGGCAGGCAGGGGCAGCTGGACTTACT[G>A]CAGGCAGCGCGAAGAAGGAGACACCGATGAGGGTGAAGGTTGCCGCAAGGAGCCTGCCGT-3'
Protein context (NP_742105.1, residues 299-319): LIGVSFFALP[Ala309Val]GILGSGFALK

ClinVar aggregate classification (germline): Pathogenic. Review status: criteria provided, multiple submitters, no conflicts (2 of 4 stars). 4 submissions from 4 submitters: Pathogenic (3). 1 of the submissions does not count toward it. Last evaluated 2025-09-24.

Conditions:
Developmental and epileptic encephalopathy, 7 (DEE7). Also called: KCNQ2-Related Neonatal Epileptic Encephalopathy; KCNQ2-Related Neonatal-Onset Developmental and Epileptic Encephalopathy (NEO-DEE); Early infantile epileptic encephalopathy 7. Identifiers: Orphanet 439218, MedGen C3150986, MONDO:0013387, OMIM 613720.
Early-infantile DEE. Also called: Early infantile epileptic encephalopathy; Early infantile epileptic encephalopathy with suppression bursts; Ohtahara syndrome. Identifiers: Orphanet 1934, MedGen C0393706, MONDO:0800491.

Submissions (4):

Genesolutions, Medical Genetics Institutes, Ho Chi Minh City, Vietnam
Classification: Pathogenic for Developmental and epileptic encephalopathy, 7. Last evaluated: 2025-09-24. Review status: criteria provided, single submitter. Criteria: ACMG Guidelines, 2015. Collection method: clinical testing. Allele origin: germline. Affected: yes.

Labcorp Genetics (formerly Invitae), Labcorp
Classification: Pathogenic for Early-infantile DEE. Last evaluated: 2020-03-10. Review status: criteria provided, single submitter. Criteria: Invitae Variant Classification Sherloc (09022015). Collection method: clinical testing. Allele origin: germline.
Comment: This variant has been observed in individual(s) with KCNQ2-related conditions (PMID: 23692823, 29314763, 30776697). In at least one individual the variant was observed to be de novo. ClinVar contains an entry for this variant (Variation ID: 369772). For these reasons, this variant has been classified as Pathogenic. Algorithms developed to predict the effect of missense changes on protein structure and function (SIFT, PolyPhen-2, Align-GVGD) all suggest that this variant is likely to be disruptive, but these predictions have not been confirmed by published functional studies and their clinical significance is uncertain. This variant is not present in population databases (ExAC no frequency). This sequence change replaces alanine with valine at codon 309 of the KCNQ2 protein (p.Ala309Val). The alanine residue is highly conserved and there is a small physicochemical difference between alanine and valine.

Cytogénomique, Hospices Civils de Lyon
Classification: Pathogenic for Developmental and epileptic encephalopathy, 7. Last evaluated: 2017-08-10. Review status: criteria provided, single submitter. Criteria: ACMG Guidelines, 2015. Collection method: clinical testing. Allele origin: unknown. Inheritance: Autosomal dominant inheritance. Affected: yes.

GeneReviews
No classification provided. Condition: Developmental and epileptic encephalopathy, 7. Review status: no classification provided. Collection method: literature only. Allele origin: germline. Affected: yes. Not counted in ClinVar's aggregate classification.
Comment: EE (epileptic encephalopathy)

Literature cited by the submitters: PubMed 23692823 (cited by 3 submitters); PubMed 29314763 (cited by Labcorp Genetics (formerly Invitae), Labcorp); PubMed 30776697 (cited by Labcorp Genetics (formerly Invitae), Labcorp); NCBI Bookshelf NBK32534 (cited by GeneReviews).